The following is an entry in ClinVar:

ClinVar aggregate classification (germline): Benign. Review status: criteria provided, single submitter (1 of 4 stars). 2 submissions from 2 submitters: Benign (1). 1 of the submissions does not count toward it. Last evaluated 2025-12-25.

Allele frequency attached by ClinVar (database versions not stated): ESP Exome Variant Server 0.00023; 1000 Genomes Project 30x 0.00094; 1000 Genomes Project 0.00120.
gnomAD v4.1: 107 of 1,613,690 alleles (0.0066%); highest among the groups gnomAD compares: African/African-American, 0.12%; no homozygotes.

Submissions (3):

Labcorp Genetics (formerly Invitae), Labcorp
Classification: Benign. Last evaluated: 2025-12-25. Review status: criteria provided, single submitter. Criteria: Invitae Variant Classification Sherloc (09022015). Collection method: clinical testing. Allele origin: germline.

Department of Pathology and Laboratory Medicine, Sinai Health System
Classification: Uncertain significance. Review status: no assertion criteria provided. Collection method: clinical testing. Allele origin: unknown. Affected: yes. Study: The Canadian Open Genetics Repository (COGR). Not counted in ClinVar's aggregate classification.
Comment: The FN1 c.6487+12C>G variant was not identified in the literature nor was it identified in ClinVar, Cosmic, MutDB or LOVD 3.0. The variant was identified in dbSNP (ID: rs111303746) with clinical significance as "NA". The variant was identified in control databases in 41 of 282824 chromosomes at a frequency of 0.000145 (Genome Aggregation Database Feb 27, 2017). The variant was observed in the following populations: African in 38 of 24958 chromosomes (freq: 0.001523), Other in 1 of 7226 chromosomes (freq: 0.000138), Latino in 1 of 35438 chromosomes (freq: 0.000028) and European (non-Finnish) in 1 of 129160 chromosomes (freq: 0.000008), but was not observed in the Ashkenazi Jewish, East Asian, European (Finnish) or South Asian populations. The variant occurs outside of the splicing consensus sequence however 4 of 4 in silico or computational prediction software programs (SpliceSiteFinder, MaxEntScan, NNSPLICE, GeneSplicer) predict a greater than 10% difference in splicing and the creation of a 5' splice site. This information is not predictive enough to assume pathogenicity. In summary, based on the above information the clinical significance of this variant cannot be determined with certainty at this time. This variant is classified as a variant of uncertain significance.

Dr. Peter K. Rogan Lab, Western University
No classification provided (evidence only). Condition: Gastric cancer. Review status: no classification provided. Collection method: in vitro. Allele origin: not applicable. Functional consequence: retained intron. Not counted in ClinVar's aggregate classification.

NM_212482.4(FN1):c.6853+12C>G

Gene: FN1 (fibronectin 1; minus strand). Cytogenetic location: 2q35.
Variant type: single nucleotide variant.
Coding change: c.6853+12C>G on transcript NM_212482.4 (MANE Select); 12 bases into the intron after coding-DNA position 6853, C replaced by G.
Molecular consequence: intron variant.
Genome position (GRCh38, 1-based): chr2:215,370,282, G>C on the plus strand (C>G on the coding strand, the complement: FN1 is on the minus strand). VCF-style: chr2-215370282-G-C. GRCh37 (hg19) VCF-style: chr2-216235005-G-C.
Other names: c.5950+12C>G (NM_212474.3); c.6142+12C>G (NM_001306132.2); c.6235+12C>G (NM_001365523.2); c.6217+12C>G (NM_001306131.2); c.6310+12C>G (NM_212476.3); c.6220+12C>G (NM_001365524.2); c.6412+12C>G (NM_212478.3); c.6505+12C>G (NM_001365520.2); and 8 more.
Identifiers: ClinVar variation 1048808 (VCV001048808.10), dbSNP rs111303746, ClinGen allele CA2093747.